The following is an entry in ClinVar:

NM_001482.3(GATM):c.629G>A (p.Trp210Ter)

Gene: GATM (glycine amidinotransferase; minus strand). Cytogenetic location: 15q21.1.
Variant type: single nucleotide variant.
Coding change: c.629G>A on transcript NM_001482.3 (MANE Select); coding-DNA position 629, G replaced by A.
Protein change: p.Trp210Ter; replaces tryptophan 210 with a stop codon.
Molecular consequence: nonsense.
Genome position (GRCh38, 1-based): chr15:45,368,116, C>T on the plus strand (G>A on the coding strand, the complement: GATM is on the minus strand). VCF-style: chr15-45368116-C-T. GRCh37 (hg19) VCF-style: chr15-45660314-C-T.
Other names: NM_001321015.2:c.242G>A; c.242G>A, p.Trp81Ter (NM_001321015.2); short protein forms W210*, W81*.
Identifiers: ClinVar variation 2446450 (VCV002446450.1), dbSNP rs1889477819, ClinGen allele CA392260686.

ClinVar aggregate classification (germline): Pathogenic (3 of 4 stars; one submission).

Conditions:
Arginine:glycine amidinotransferase deficiency (CCDS3). Also called: L-Arginine:Glycine Amidinotransferase Deficiency; Creatine deficiency syndrome due to AGAT deficiency; GATM deficiency; L-Arginine:Glycine Amidinotransferase (AGAT) Deficiency; AGAT deficiency; Cerebral creatine deficiency syndrome 3. Identifiers: Orphanet 35704, MedGen C2675179, MONDO:0012996, OMIM 612718.

Submission:

ClinGen Cerebral Creatine Deficiency Syndromes Variant Curation Expert Panel, ClinGen
Classification: Pathogenic for Arginine:glycine amidinotransferase deficiency. Last evaluated: 2023-01-24. Review status: reviewed by expert panel. Criteria: ClinGen_CCDS_ACMG_Specifications_GATM_v1.1. Collection method: curation. Allele origin: germline. Inheritance: Autosomal recessive inheritance.
Comment: The NM_001482.3:c.629G>A (p.Trp210Ter) variant in GATM is a nonsense variant predicted to cause a premature stop codon in biologically-relevant-exon 4/9, leading to nonsense mediated decay in a gene in which loss-of-function is an established disease mechanism (PVS1). It is absent in gnomAD v2.1.1. (PM2_Supporting). The variant has been reported in 3 siblings with undetectable guanidinoacetate in urine, and undetectable guanidinoacetate with low creatine in plasma (PMID: 26490222) (PP4_Moderate), all homozygous for the variant (PM3_Supporting). In summary, this variant meets the criteria to be classified as pathogenic for AGAT deficiency. GATM-specific ACMG/AMP criteria applied, as specified by the ClinGen CCDS VCEP (Specifications Version 1.1.0): PVS1, PP4_Moderate, PM2_Supporting; PM3_Supporting. (Classification approved by the ClinGen CCDS VCEP on January 24, 2023).